The following is an entry in ClinVar:

ClinVar aggregate classification (germline): Pathogenic (1 of 4 stars; one submission).

Submission:

Labcorp Genetics (formerly Invitae), Labcorp
Classification: Pathogenic. Last evaluated: 2023-03-26. Review status: criteria provided, single submitter. Criteria: Invitae Variant Classification Sherloc (09022015). Collection method: clinical testing. Allele origin: germline.
Comment: For these reasons, this variant has been classified as Pathogenic. This variant has not been reported in the literature in individuals affected with CCDC88C-related conditions. This variant is not present in population databases (gnomAD no frequency). This sequence change creates a premature translational stop signal (p.Lys1419Argfs*79) in the CCDC88C gene. It is expected to result in an absent or disrupted protein product. Loss-of-function variants in CCDC88C are known to be pathogenic (PMID: 23042809, 29225145).

Literature cited by the submitters: PubMed 23042809; PubMed 29225145.

NM_001080414.4(CCDC88C):c.4256_4257del (p.Lys1419fs)

Gene: CCDC88C (coiled-coil and HOOK domain protein 88C; minus strand). Cytogenetic location: 14q32.11.
Variant type: Deletion.
Coding change: c.4256_4257del on transcript NM_001080414.4 (MANE Select); coding-DNA positions 4256 to 4257, 2 bases deleted (AA; older notation c.4256_4257delAA).
Protein change: p.Lys1419fs; shifts the reading frame from lysine 1419.
Molecular consequence: frameshift variant.
Genome position (GRCh38, 1-based): chr14:91,289,289-91,289,290, TT deleted on the plus strand (AA on the coding strand, the reverse complement: CCDC88C is on the minus strand); deleting any 2 consecutive bases within chr14:91,289,289-91,289,291 gives the same sequence; the c. name uses the placement nearest the transcript's 3' end. VCF-style (leftmost placement, unchanged base first): chr14-91289288-CTT-C. GRCh37 (hg19) VCF-style: chr14-91755632-CTT-C.
Other names: short protein forms K1419fs.
Identifiers: ClinVar variation 2849788 (VCV002849788.3), dbSNP rs2544289562, ClinGen allele CA2739278644.